The following is an entry in ClinVar:

ClinVar aggregate classification (germline): Uncertain significance (1 of 4 stars; one submission).

Conditions:
Cardiovascular phenotype. Identifiers: MedGen CN230736.

gnomAD v4.1: 4 of 1,225,626 alleles (0.00033%); highest among the groups gnomAD compares: African/African-American, 0.0016%; no homozygotes.

Submission:

Ambry Genetics
Classification: Uncertain significance for Cardiovascular phenotype. Last evaluated: 2024-12-29. Review status: criteria provided, single submitter. Criteria: Ambry Variant Classification Scheme 2023. Collection method: clinical testing. Allele origin: germline.
Comment: The p.N76S variant (also known as c.227A>G), located in coding exon 1 of the GATAD1 gene, results from an A to G substitution at nucleotide position 227. The asparagine at codon 76 is replaced by serine, an amino acid with highly similar properties. This amino acid position is conserved. In addition, this alteration is predicted to be tolerated by in silico analysis. Based on the available evidence, the clinical significance of this variant remains unclear.

NM_021167.5(GATAD1):c.227A>G (p.Asn76Ser)

Genes: GATAD1 (GATA zinc finger domain containing 1; plus strand), LOC129998793 (ATAC-STARR-seq lymphoblastoid silent region 18371; plus strand). Cytogenetic location: 7q21.2.
Variant type: single nucleotide variant.
Coding change: c.227A>G on transcript NM_021167.5 (MANE Select); coding-DNA position 227, A replaced by G.
Protein change: p.Asn76Ser; replaces asparagine 76 with serine.
Molecular consequence: missense variant. On other transcripts: non-coding transcript variant (1).
Genome position (GRCh38, 1-based): chr7:92,447,956, A>G. VCF-style: chr7-92447956-A-G. GRCh37 (hg19) VCF-style: chr7-92077270-A-G.
Other names: short protein forms N76S.
Identifiers: ClinVar variation 3853055 (VCV003853055.1).